The following is an entry in ClinVar:

ClinVar aggregate classification (germline): Uncertain significance. Review status: criteria provided, multiple submitters, no conflicts (2 of 4 stars). 2 submissions from 2 submitters: Uncertain significance (2). Last evaluated 2022-05-29.

Allele frequency attached by ClinVar (database versions not stated): gnomAD exomes below 0.00001; gnomAD 0.00001; TOPMed 0.00001.
gnomAD v4.1: 7 of 1,502,954 alleles (0.00047%); highest among the groups gnomAD compares: South Asian, 0.0012%; no homozygotes.

Submissions (2):

Labcorp Genetics (formerly Invitae), Labcorp
Classification: Uncertain significance. Last evaluated: 2022-05-29. Review status: criteria provided, single submitter. Criteria: Invitae Variant Classification Sherloc (09022015). Collection method: clinical testing. Allele origin: germline.
Comment: In summary, the available evidence is currently insufficient to determine the role of this variant in disease. Therefore, it has been classified as a Variant of Uncertain Significance. Algorithms developed to predict the effect of missense changes on protein structure and function are either unavailable or do not agree on the potential impact of this missense change (SIFT: "Deleterious"; PolyPhen-2: "Not Available"; Align-GVGD: "Class C0"). This variant has not been reported in the literature in individuals affected with MNX1-related conditions. The frequency data for this variant in the population databases is considered unreliable, as metrics indicate poor data quality at this position in the gnomAD database. This sequence change replaces leucine, which is neutral and non-polar, with proline, which is neutral and non-polar, at codon 28 of the MNX1 protein (p.Leu28Pro).

Blueprint Genetics
Classification: Uncertain significance. Last evaluated: 2021-03-09. Review status: criteria provided, single submitter. Criteria: ACMG Guidelines, 2015. Collection method: clinical testing. Allele origin: germline.

NM_005515.4(MNX1):c.83T>C (p.Leu28Pro)

Gene: MNX1 (motor neuron and pancreas homeobox 1; minus strand). Cytogenetic location: 7q36.3.
Variant type: single nucleotide variant.
Coding change: c.83T>C on transcript NM_005515.4 (MANE Select); coding-DNA position 83, T replaced by C.
Protein change: p.Leu28Pro; replaces leucine 28 with proline.
Molecular consequence: missense variant.
Genome position (GRCh38, 1-based): chr7:157,010,268, A>G on the plus strand (T>C on the coding strand, the complement: MNX1 is on the minus strand). VCF-style: chr7-157010268-A-G. GRCh37 (hg19) VCF-style: chr7-156802962-A-G.
Other names: short protein forms L28P.
Identifiers: ClinVar variation 2099639 (VCV002099639.5), dbSNP rs941421118, ClinGen allele CA169871161.
Genomic context (GRCh38, chr7:157,010,268, plus strand): 5'-CCGCCGCCGCCGCCACCTCCGGTGCCAGATGCGGCGGCGGCGAGCGACGTGACCAAGGCC[A>G]GCGGCGCGCTCTGCGCAGAGGCGGCTCGTGGGGGGTCCACCGCCAGCAGGGCGTCGATGC-3'
Protein context (NP_005506.3, residues 18-38): PRAASAQSAP[Leu28Pro]ALVTSLAAAA